The following is an entry in ClinVar:

NM_000135.4(FANCA):c.3752G>T (p.Cys1251Phe)

Gene: FANCA (FA complementation group A; minus strand). Cytogenetic location: 16q24.3.
Variant type: single nucleotide variant.
Coding change: c.3752G>T on transcript NM_000135.4 (MANE Select); coding-DNA position 3752, G replaced by T.
Protein change: p.Cys1251Phe; replaces cysteine 1251 with phenylalanine.
Molecular consequence: missense variant.
Genome position (GRCh38, 1-based): chr16:89,742,813, C>A on the plus strand (G>T on the coding strand, the complement: FANCA is on the minus strand). VCF-style: chr16-89742813-C-A. GRCh37 (hg19) VCF-style: chr16-89809221-C-A.
Other names: c.3752G>T, p.Cys1251Phe (NM_001286167.3); short protein forms C1251F.
Identifiers: ClinVar variation 4870885 (VCV004870885.1).
Genomic context (GRCh38, chr16:89,742,813, plus strand): 5'-ACCAAGCTTGCGAGAAAATAAATCAGTAAAAGAATTTCCTATCTTGCCTCCTCTCTCTCG[C>A]AGTCCAGCTTCTTTAGCTGCTTCCTGATGTTTTCTTCCCTGACTTGTTGAATCGCAAAGT-3'
Protein context (NP_000126.2, residues 1241-1261): NIRKQLKKLD[Cys1251Phe]EREELLVFLF

ClinVar aggregate classification (germline): Uncertain significance (1 of 4 stars; one submission).

Conditions:
Inborn genetic diseases. Identifiers: MedGen C0950123, MeSH D030342.

Submission:

Ambry Genetics
Classification: Uncertain significance for Inborn genetic diseases. Last evaluated: 2026-05-21. Review status: criteria provided, single submitter. Criteria: Ambry Variant Classification Scheme 2023. Collection method: clinical testing. Allele origin: germline.
Comment: The p.C1251F variant (also known as c.3752G>T), located in coding exon 37 of the FANCA gene, results from a G to T substitution at nucleotide position 3752. The cysteine at codon 1251 is replaced by phenylalanine, an amino acid with highly dissimilar properties. This amino acid position is conserved. In addition, this alteration is predicted to be tolerated by in silico analysis. Based on the available evidence, the clinical significance of this variant remains unclear.